The following is an entry in ClinVar:

ClinVar aggregate classification (germline): Uncertain significance (1 of 4 stars; one submission).

Conditions:
Hereditary cancer-predisposing syndrome. Also called: Neoplastic Syndromes, Hereditary; Tumor predisposition; Hereditary Cancer Syndrome; Hereditary neoplastic syndrome. Identifiers: Orphanet 140162, MedGen C0027672, MeSH D009386, MONDO:0015356.

gnomAD v4.1: 1 of 1,612,956 alleles (0.000062%); highest among the groups gnomAD compares: South Asian, 0.0011%; no homozygotes.

Submission:

Ambry Genetics
Classification: Uncertain significance for Hereditary cancer-predisposing syndrome. Last evaluated: 2025-11-18. Review status: criteria provided, single submitter. Criteria: Ambry Variant Classification Scheme 2023. Collection method: clinical testing. Allele origin: germline.
Comment: The p.S1334R variant (also known as c.4002C>G), located in coding exon 23 of the PTCH1 gene, results from a C to G substitution at nucleotide position 4002. The serine at codon 1334 is replaced by arginine, an amino acid with dissimilar properties. This amino acid position is conserved. In addition, this alteration is predicted to be tolerated by in silico analysis. Based on the available evidence, the clinical significance of this variant remains unclear.

NM_000264.5(PTCH1):c.4002C>G (p.Ser1334Arg)

Gene: PTCH1 (patched 1; minus strand). Cytogenetic location: 9q22.32.
Variant type: single nucleotide variant.
Coding change: c.4002C>G on transcript NM_000264.5 (MANE Select); coding-DNA position 4002, C replaced by G.
Protein change: p.Ser1334Arg; replaces serine 1334 with arginine.
Molecular consequence: missense variant. On other transcripts: non-coding transcript variant (1).
Genome position (GRCh38, 1-based): chr9:95,447,254, G>C on the plus strand (C>G on the coding strand, the complement: PTCH1 is on the minus strand). VCF-style: chr9-95447254-G-C. GRCh37 (hg19) VCF-style: chr9-98209536-G-C.
Other names: c.3804C>G, p.Ser1268Arg (NM_001083602.3); c.3999C>G, p.Ser1333Arg (NM_001083603.3); c.3549C>G, p.Ser1183Arg (NM_001083604.3, NM_001083605.3, NM_001083606.3 and 1 more transcripts); c.3846C>G, p.Ser1282Arg (NM_001354918.2); short protein forms S1268R, S1282R, S1333R, S1183R, S1334R.
Identifiers: ClinVar variation 4676097 (VCV004676097.1).